The following is an entry in ClinVar:

ClinVar aggregate classification (germline): Uncertain significance (1 of 4 stars; one submission).

Conditions:
Infantile-onset ascending hereditary spastic paralysis (IAHSP). Also called: Autosomal Recessive Juvenile Amyotrophic Lateral Sclerosis; Infantile-Onset Ascending Hereditary Spastic Paralysis (IAHSP). Identifiers: Orphanet 293168, MedGen C2931441, MONDO:0011797, OMIM 607225. Disease mechanism: loss of function.

Allele frequency attached by ClinVar (database versions not stated): ExAC 0.00001; gnomAD 0.00001; gnomAD exomes 0.00001; TOPMed 0.00001.
gnomAD v4.1: 17 of 1,613,934 alleles (0.0011%); highest among the groups gnomAD compares: South Asian, 0.012%; no homozygotes.

Submission:

Labcorp Genetics (formerly Invitae), Labcorp
Classification: Uncertain significance for Infantile-onset ascending hereditary spastic paralysis. Last evaluated: 2022-09-12. Review status: criteria provided, single submitter. Criteria: Invitae Variant Classification Sherloc (09022015). Collection method: clinical testing. Allele origin: germline.
Comment: This sequence change replaces glutamic acid, which is acidic and polar, with lysine, which is basic and polar, at codon 1500 of the ALS2 protein (p.Glu1500Lys). This variant is present in population databases (rs780151065, gnomAD 0.006%). This variant has not been reported in the literature in individuals affected with ALS2-related conditions. ClinVar contains an entry for this variant (Variation ID: 241311). Advanced modeling of protein sequence and biophysical properties (such as structural, functional, and spatial information, amino acid conservation, physicochemical variation, residue mobility, and thermodynamic stability) performed at Invitae indicates that this missense variant is not expected to disrupt ALS2 protein function. In summary, the available evidence is currently insufficient to determine the role of this variant in disease. Therefore, it has been classified as a Variant of Uncertain Significance.

NM_020919.4(ALS2):c.4498G>A (p.Glu1500Lys)

Gene: ALS2 (alsin Rho guanine nucleotide exchange factor ALS2; minus strand). Cytogenetic location: 2q33.1.
Variant type: single nucleotide variant.
Coding change: c.4498G>A on transcript NM_020919.4 (MANE Select); coding-DNA position 4498, G replaced by A.
Protein change: p.Glu1500Lys; replaces glutamic acid 1500 with lysine.
Molecular consequence: missense variant.
Genome position (GRCh38, 1-based): chr2:201,706,928, C>T on the plus strand (G>A on the coding strand, the complement: ALS2 is on the minus strand). VCF-style: chr2-201706928-C-T. GRCh37 (hg19) VCF-style: chr2-202571651-C-T.
Other names: short protein forms E1500K.
Identifiers: ClinVar variation 241311 (VCV000241311.8), dbSNP rs780151065, ClinGen allele CA2057558.